The following is an entry in ClinVar:

NM_000191.3(HMGCL):c.835G>A (p.Glu279Lys)

Gene: HMGCL (3-hydroxy-3-methylglutaryl-CoA lyase; minus strand). Cytogenetic location: 1p36.11.
Variant type: single nucleotide variant.
Coding change: c.835G>A on transcript NM_000191.3 (MANE Select); coding-DNA position 835, G replaced by A.
Protein change: p.Glu279Lys; replaces glutamic acid 279 with lysine.
Molecular consequence: missense variant.
Genome position (GRCh38, 1-based): chr1:23,804,441, C>T on the plus strand (G>A on the coding strand, the complement: HMGCL is on the minus strand). VCF-style: chr1-23804441-C-T. GRCh37 (hg19) VCF-style: chr1-24130931-C-T.
Other names: c.622G>A, p.Glu208Lys (NM_001166059.2); c.835G>A (NM_000191.2); short protein forms E279K, E208K.
Identifiers: ClinVar variation 11958 (VCV000011958.3), dbSNP rs121964998, ClinGen allele CA256131.

ClinVar aggregate classification (germline): Likely pathogenic. Review status: criteria provided, single submitter (1 of 4 stars). 2 submissions from 2 submitters: Likely pathogenic (1). 1 of the submissions does not count toward it. Last evaluated 2024-10-17.

Conditions:
Long chain 3-hydroxyacyl-CoA dehydrogenase deficiency. Also called: LCHAD Deficiency; Deficiency of long-chain 3-hydroxyacyl-coenzyme A dehydrogenase. Identifiers: Orphanet 5, MedGen C3711645, MONDO:0012173, OMIM 609016.
Deficiency of hydroxymethylglutaryl-CoA lyase (HMGCLD). Also called: HMGCL DEFICIENCY; HYDROXYMETHYLGLUTARIC ACIDURIA; Defect in leucine metabolism; 3-hydroxy-3-methylglutaric aciduria; HMG-CoA LYASE DEFICIENCY. Identifiers: Orphanet 20, MedGen C1533587, MONDO:0009520, OMIM 246450.

Allele frequency attached by ClinVar (database versions not stated): gnomAD exomes below 0.00001.
gnomAD v4.1: 2 of 1,614,228 alleles (0.00012%); highest among the groups gnomAD compares: East Asian, 0.0045%; no homozygotes.

Submissions (2):

Natera, Inc.
Classification: Likely pathogenic for Deficiency of long-chain 3-hydroxyacyl-coenzyme A dehydrogenase. Last evaluated: 2024-10-17. Review status: criteria provided, single submitter. Criteria: Natera Variant Classification Schema (03/2026). Collection method: clinical testing. Allele origin: germline.
Comment: The c.835G>A variant in HMGCL is a missense variant predicted to cause substitution of glutamic acid to lysine at amino acid 279. This variant is rare in the general population with a frequency below the threshold expected for the associated phenotype(s). This variant has been observed in one or more individuals affected with the associated recessive disease, as either homozygous or compound heterozygous with a second variant (PMID: 11129331). Functional studies show that this variant may disrupt protein function (PMID: 12746442). Computational prediction algorithms indicate this variant is likely to affect gene or protein function. Given the available evidence, this variant is classified as Likely Pathogenic.

OMIM
Classification: Pathogenic for HMG-CoA LYASE DEFICIENCY. Last evaluated: 2000-10-01. Review status: no assertion criteria provided. Collection method: literature only. Allele origin: germline. Not counted in ClinVar's aggregate classification.

Literature cited by the submitters: PubMed 11129331 (cited by Natera, Inc. and OMIM); PubMed 12746442 (cited by Natera, Inc.).